The following is an entry in ClinVar:

ClinVar aggregate classification (germline): Uncertain significance (1 of 4 stars; one submission).

Allele frequency attached by ClinVar (database versions not stated): gnomAD 0.00001; TOPMed 0.00001.
gnomAD v4.1: 1 of 1,210,657 alleles (0.000083%); highest among the groups gnomAD compares: African/African-American, 0.0017%; no homozygotes.

Submission:

GeneDx
Classification: Uncertain significance. Last evaluated: 2022-09-23. Review status: criteria provided, single submitter. Criteria: GeneDx Variant Classification Process June 2021. Collection method: clinical testing. Allele origin: germline. Affected: yes.
Comment: In silico analysis supports that this missense variant has a deleterious effect on protein structure/function; Has not been previously published as pathogenic or benign to our knowledge

NM_001110556.2(FLNA):c.1529C>A (p.Ala510Asp)

Gene: FLNA (filamin A; minus strand). Cytogenetic location: Xq28.
Variant type: single nucleotide variant.
Coding change: c.1529C>A on transcript NM_001110556.2 (MANE Select); coding-DNA position 1529, C replaced by A.
Protein change: p.Ala510Asp; replaces alanine 510 with aspartic acid.
Molecular consequence: missense variant.
Genome position (GRCh38, 1-based): chrX:154,365,387, G>T on the plus strand (C>A on the coding strand, the complement: FLNA is on the minus strand). VCF-style: chrX-154365387-G-T. GRCh37 (hg19) VCF-style: chrX-153593755-G-T.
Other names: c.1529C>A, p.Ala510Asp (NM_001456.4); short protein forms A510D.
Identifiers: ClinVar variation 2446293 (VCV002446293.1), dbSNP rs1557178990, ClinGen allele CA415243375.